The following is an entry in ClinVar:

NM_001305581.2(LRMDA):c.193C>T (p.Leu65=)

Genes: LRMDA (leucine rich melanocyte differentiation associated; plus strand), LOC110121427 (VISTA enhancer hs1679; plus strand). Cytogenetic location: 10q22.3.
Variant type: single nucleotide variant.
Coding change: c.193C>T on transcript NM_001305581.2 (MANE Select); coding-DNA position 193, C replaced by T.
Protein change: p.Leu65=; no amino-acid change (leucine 65 retained).
Molecular consequence: synonymous variant. On other transcripts: non-coding transcript variant (1).
Genome position (GRCh38, 1-based): chr10:76,036,069, C>T. VCF-style: chr10-76036069-C-T. GRCh37 (hg19) VCF-style: chr10-77795827-C-T.
Other names: c.109C>T, p.Leu37= (NM_032024.5).
Identifiers: ClinVar variation 261986 (VCV000261986.45), dbSNP rs147768808, ClinGen allele CA5567536.

ClinVar aggregate classification (germline): Conflicting classifications of pathogenicity. Review status: criteria provided, conflicting classifications (1 of 4 stars). 7 submissions from 7 submitters: Uncertain significance (1); Benign (1); Likely benign (4). 1 of the submissions does not count toward it. Last evaluated 2026-02-01.

Conditions:
Oculocutaneous albinism type 7. Also called: Albinism, oculocutaneous, type VII. Identifiers: Orphanet 352745, MedGen C3808786, MONDO:0014070, OMIM 615179.

Allele frequency attached by ClinVar (database versions not stated): gnomAD exomes 0.00190 and 0.00353; ExAC 0.00198; TOPMed 0.00205; gnomAD 0.00209 and 0.00217; ESP Exome Variant Server 0.00346.
gnomAD v4.1: 5,447 of 1,614,052 alleles (0.34%); highest among the groups gnomAD compares: Non-Finnish European, 0.43%; 16 homozygotes.

Submissions (7):

CeGaT Center for Human Genetics Tuebingen
Classification: Likely benign. Last evaluated: 2026-02-01. Review status: criteria provided, single submitter. Criteria: CeGaT Center For Human Genetics Tuebingen Variant Classification Criteria Version 2. Collection method: clinical testing. Allele origin: germline. Affected: yes. Observed: 2 variant alleles.
Comment: LRMDA: BP4, BS2

Labcorp Genetics (formerly Invitae), Labcorp
Classification: Benign. Last evaluated: 2026-02-01. Review status: criteria provided, single submitter. Criteria: Invitae Variant Classification Sherloc (09022015). Collection method: clinical testing. Allele origin: germline.

Blueprint Genetics
Classification: Likely benign. Last evaluated: 2024-11-27. Review status: criteria provided, single submitter. Criteria: ACMG Guidelines, 2015. Collection method: clinical testing. Allele origin: germline.

Eurofins Ntd Llc (ga)
Classification: Uncertain significance. Last evaluated: 2018-04-30. Review status: criteria provided, single submitter. Criteria: EGL ClinVar v180209 classification definitions. Collection method: clinical testing. Allele origin: germline. Observed: 1 variant allele, 1 heterozygote.

Clinical Genetics DNA and cytogenetics Diagnostics Lab, Erasmus MC, Erasmus Medical Center
Classification: Likely benign for Oculocutaneous albinism type 7. Last evaluated: 2017-06-28. Review status: criteria provided, single submitter. Criteria: ACGS Guidelines, 2013. Collection method: clinical testing. Allele origin: germline. Affected: yes. Study: VKGL Data-share Consensus.

PreventionGenetics, part of Exact Sciences
Classification: Likely benign. Review status: criteria provided, single submitter. Criteria: ACMG Guidelines, 2015. Collection method: clinical testing. Allele origin: germline.

Clinical Genetics, Academic Medical Center
Classification: Benign. Review status: no assertion criteria provided. Collection method: clinical testing. Allele origin: germline. Affected: yes. Study: VKGL Data-share Consensus. Not counted in ClinVar's aggregate classification.